The following is an entry in ClinVar:

NM_001184.4(ATR):c.2147G>A (p.Cys716Tyr)

Gene: ATR (ATR checkpoint kinase; minus strand). Cytogenetic location: 3q23.
Variant type: single nucleotide variant.
Coding change: c.2147G>A on transcript NM_001184.4 (MANE Select); coding-DNA position 2147, G replaced by A.
Protein change: p.Cys716Tyr; replaces cysteine 716 with tyrosine.
Molecular consequence: missense variant.
Genome position (GRCh38, 1-based): chr3:142,556,071, C>T on the plus strand (G>A on the coding strand, the complement: ATR is on the minus strand). VCF-style: chr3-142556071-C-T. GRCh37 (hg19) VCF-style: chr3-142274913-C-T.
Other names: c.1955G>A, p.Cys652Tyr (NM_001354579.2); short protein forms C652Y, C716Y.
Identifiers: ClinVar variation 2453600 (VCV002453600.2), dbSNP rs2108471464, ClinGen allele CA354818893.

ClinVar aggregate classification (germline): Uncertain significance (1 of 4 stars; one submission).

Conditions:
Inborn genetic diseases. Identifiers: MedGen C0950123, MeSH D030342.

Submission:

Ambry Genetics
Classification: Uncertain significance for Inborn genetic diseases. Last evaluated: 2023-02-24. Review status: criteria provided, single submitter. Criteria: Ambry Variant Classification Scheme 2023. Collection method: clinical testing. Allele origin: germline.
Comment: The p.C716Y variant (also known as c.2147G>A), located in coding exon 10 of the ATR gene, results from a G to A substitution at nucleotide position 2147. The cysteine at codon 716 is replaced by tyrosine, an amino acid with highly dissimilar properties. This amino acid position is conserved. In addition, this alteration is predicted to be deleterious by in silico analysis. Since supporting evidence is limited at this time, the clinical significance of this alteration remains unclear.